The following is an entry in ClinVar:

ClinVar aggregate classification (germline): Uncertain significance (1 of 4 stars; one submission).

Submission:

Labcorp Genetics (formerly Invitae), Labcorp
Classification: Uncertain significance. Last evaluated: 2022-03-12. Review status: criteria provided, single submitter. Criteria: Invitae Variant Classification Sherloc (09022015). Collection method: clinical testing. Allele origin: germline.
Comment: Algorithms developed to predict the effect of missense changes on protein structure and function are either unavailable or do not agree on the potential impact of this missense change (SIFT: "Deleterious"; PolyPhen-2: "Probably Damaging"; Align-GVGD: "Class C0"). In summary, the available evidence is currently insufficient to determine the role of this variant in disease. Therefore, it has been classified as a Variant of Uncertain Significance. This variant has not been reported in the literature in individuals affected with C8B-related conditions. This variant is not present in population databases (gnomAD no frequency). This sequence change replaces tyrosine, which is neutral and polar, with histidine, which is basic and polar, at codon 304 of the C8B protein (p.Tyr304His).

NM_000066.4(C8B):c.910T>C (p.Tyr304His)

Gene: C8B (complement C8 beta chain; minus strand). Cytogenetic location: 1p32.2.
Variant type: single nucleotide variant.
Coding change: c.910T>C on transcript NM_000066.4 (MANE Select); coding-DNA position 910, T replaced by C.
Protein change: p.Tyr304His; replaces tyrosine 304 with histidine.
Molecular consequence: missense variant.
Genome position (GRCh38, 1-based): chr1:56,946,016, A>G on the plus strand (T>C on the coding strand, the complement: C8B is on the minus strand). VCF-style: chr1-56946016-A-G. GRCh37 (hg19) VCF-style: chr1-57411689-A-G.
Other names: c.754T>C, p.Tyr252His (NM_001278543.2); c.724T>C, p.Tyr242His (NM_001278544.2); short protein forms Y252H, Y304H, Y242H.
Identifiers: ClinVar variation 1931380 (VCV001931380.5), dbSNP rs2522732523, ClinGen allele CA340528654.